The following is an entry in ClinVar:

NM_001035006.5(RPL17):c.176_178delinsA (p.Pro59fs)

Genes: RPL17 (ribosomal protein L17; minus strand), RPL17-C18orf32 (RPL17-C18orf32 readthrough; minus strand). Cytogenetic location: 18q21.1.
Variant type: Indel.
Coding change: c.176_178delinsA on transcript NM_001035006.5 (MANE Select); coding-DNA positions 176 to 178, CAT replaced by A.
Protein change: p.Pro59fs; shifts the reading frame from proline 59.
Molecular consequence: frameshift variant.
Genome position (GRCh38, 1-based): chr18:49,490,831-49,490,833, ATG replaced by T on the plus strand (CAT replaced by A on the coding strand, the reverse complement: RPL17 is on the minus strand). VCF-style: chr18-49490831-ATG-T. GRCh37 (hg19) VCF-style: chr18-47017201-ATG-T.
Other names: c.176_178delinsA, p.Pro59fs (NM_001199355.1, NM_000985.5, NM_001199340.2 and 7 more transcripts); c.62_64delinsA, p.Pro21fs (NM_001199356.2, NM_001199345.2, NM_001369562.1 and 1 more transcripts); c.191_193delinsA, p.Pro64fs (NM_001369555.1); c.146_148delinsA, p.Pro49fs (NM_001369560.1, NM_001369561.1); short protein forms P21fs, P49fs, P59fs, P64fs.
Identifiers: ClinVar variation 4883991 (VCV004883991.2).
Genomic context (GRCh38, chr18:49,490,831, plus strand): 5'-AATGGCAACTAAGAATTCTCACCTGCGCACACCTGCCAACTCCACCATTGTAACGTCGGA[ATG>T]GTACACACTGTTTCTGTAAAGTGACATCTTTCAGATACTTCGTGGCTTTTCGTATATGCA-3'

ClinVar aggregate classification (germline): Uncertain significance (1 of 4 stars; one submission).

Conditions:
Diamond-Blackfan anemia 22. Identifiers: MedGen C6012749, MONDO:0979244, OMIM 621262.

Submission:

Dasa
Classification: Uncertain significance for Diamond-Blackfan anemia 22. Last evaluated: 2025-11-28. Review status: criteria provided, single submitter. Criteria: DASA Assertion Criteria. Collection method: clinical testing. Allele origin: germline.
Comment: NM_001035006.5(RPL17):c.176_178delinsA (p.Pro59Hisfs*30) is a frameshift variant in RPL17 predicted to alter the reading frame and introduce a premature termination codon. This variant is absent from population databases. The currently available literature and clinical evidence are not sufficient to establish a definitive association between this variant and the reported condition. Therefore, this variant is classified as a variant of uncertain significance.